The following is an entry in ClinVar:

NM_002528.7(NTHL1):c.856C>T (p.His286Tyr)

Gene: NTHL1 (nth like DNA glycosylase 1; minus strand). Cytogenetic location: 16p13.3.
Variant type: single nucleotide variant.
Coding change: c.856C>T on transcript NM_002528.7 (MANE Select); coding-DNA position 856, C replaced by T.
Protein change: p.His286Tyr; replaces histidine 286 with tyrosine.
Molecular consequence: missense variant.
Genome position (GRCh38, 1-based): chr16:2,039,983, G>A on the plus strand (C>T on the coding strand, the complement: NTHL1 is on the minus strand). VCF-style: chr16-2039983-G-A. GRCh37 (hg19) VCF-style: chr16-2089984-G-A.
Other names: c.685C>T, p.His229Tyr (NM_001318193.2); c.526C>T, p.His176Tyr (NM_001318194.2); short protein forms H176Y, H229Y, H286Y.
Identifiers: ClinVar variation 3222686 (VCV003222686.2), dbSNP rs1169243576, ClinGen allele CA394287201.

ClinVar aggregate classification (germline): Uncertain significance (1 of 4 stars; one submission).

Conditions:
Hereditary cancer-predisposing syndrome. Also called: Tumor predisposition; Hereditary neoplastic syndrome; Hereditary Cancer Syndrome; Neoplastic Syndromes, Hereditary. Identifiers: Orphanet 140162, MedGen C0027672, MeSH D009386, MONDO:0015356.

gnomAD v4.1: 1 of 1,610,038 alleles (0.000062%); highest among the groups gnomAD compares: Non-Finnish European, 0.000085%; no homozygotes.

Submission:

Ambry Genetics
Classification: Uncertain significance for Hereditary cancer-predisposing syndrome. Last evaluated: 2025-09-10. Review status: criteria provided, single submitter. Criteria: Ambry Variant Classification Scheme 2023. Collection method: clinical testing. Allele origin: germline.
Comment: The p.H294Y variant (also known as c.880C>T), located in coding exon 6 of the NTHL1 gene, results from a C to T substitution at nucleotide position 880. The histidine at codon 294 is replaced by tyrosine, an amino acid with similar properties. This amino acid position is conserved. In addition, this alteration is predicted to be tolerated by in silico analysis. Since supporting evidence is limited at this time, the clinical significance of this alteration remains unclear.